The following is an entry in ClinVar:

ClinVar aggregate classification (germline): Uncertain significance (1 of 4 stars; one submission).

Submission:

Labcorp Genetics (formerly Invitae), Labcorp
Classification: Uncertain significance. Last evaluated: 2022-03-31. Review status: criteria provided, single submitter. Criteria: Invitae Variant Classification Sherloc (09022015). Collection method: clinical testing. Allele origin: germline.
Comment: In summary, the available evidence is currently insufficient to determine the role of this variant in disease. Therefore, it has been classified as a Variant of Uncertain Significance. Algorithms developed to predict the effect of missense changes on protein structure and function output the following: SIFT: "Tolerated"; PolyPhen-2: "Benign"; Align-GVGD: "Class C0". The threonine amino acid residue is found in multiple mammalian species, which suggests that this missense change does not adversely affect protein function. This variant has not been reported in the literature in individuals affected with BPTF-related conditions. This variant is not present in population databases (gnomAD no frequency). This sequence change replaces alanine, which is neutral and non-polar, with threonine, which is neutral and polar, at codon 1254 of the BPTF protein (p.Ala1254Thr).

NM_182641.4(BPTF):c.3382G>A (p.Ala1128Thr)

Gene: BPTF (bromodomain PHD finger transcription factor; plus strand). Cytogenetic location: 17q24.2.
Variant type: single nucleotide variant.
Coding change: c.3382G>A on transcript NM_182641.4 (MANE Select); coding-DNA position 3382, G replaced by A.
Protein change: p.Ala1128Thr; replaces alanine 1128 with threonine.
Molecular consequence: missense variant.
Genome position (GRCh38, 1-based): chr17:67,911,266, G>A. VCF-style: chr17-67911266-G-A. GRCh37 (hg19) VCF-style: chr17-65907382-G-A.
Other names: c.3760G>A, p.Ala1254Thr (NM_004459.7); short protein forms A1254T, A1128T.
Identifiers: ClinVar variation 2116465 (VCV002116465.4), dbSNP rs2511457776, ClinGen allele CA400726412.
Genomic context (GRCh38, chr17:67,911,266, plus strand): 5'-ATAACGAAAGCAAAAGAAGGGTGTCAGAGTGACTCGATGAGACAAGAACAGAGCCCAAAT[G>A]CAAATAATGATCAACCTGAGGACTTGATTCAGGGATGTTCAGAAAGTGATTCCTCAGTTC-3'
Protein context (NP_872579.2, residues 1118-1138): DSMRQEQSPN[Ala1128Thr]NNDQPEDLIQ